The following is an entry in ClinVar:

NM_005911.6(MAT2A):c.12G>C (p.Gln4His)

Gene: MAT2A (methionine adenosyltransferase 2A; plus strand). Cytogenetic location: 2p11.2.
Variant type: single nucleotide variant.
Coding change: c.12G>C on transcript NM_005911.6 (MANE Select); coding-DNA position 12, G replaced by C.
Protein change: p.Gln4His; replaces glutamine 4 with histidine.
Molecular consequence: missense variant.
Genome position (GRCh38, 1-based): chr2:85,539,299, G>C. VCF-style: chr2-85539299-G-C. GRCh37 (hg19) VCF-style: chr2-85766422-G-C.
Other names: short protein forms Q4H.
Identifiers: ClinVar variation 4052034 (VCV004052034.1).

ClinVar aggregate classification (germline): Uncertain significance (1 of 4 stars; one submission).

Conditions:
Cardiovascular phenotype. Identifiers: MedGen CN230736.

Submission:

Ambry Genetics
Classification: Uncertain significance for Cardiovascular phenotype. Last evaluated: 2025-06-01. Review status: criteria provided, single submitter. Criteria: Ambry Variant Classification Scheme 2023. Collection method: clinical testing. Allele origin: germline.
Comment: The p.Q4H variant (also known as c.12G>C), located in coding exon 1 of the MAT2A gene, results from a G to C substitution at nucleotide position 12. The glutamine at codon 4 is replaced by histidine, an amino acid with highly similar properties. This amino acid position is conserved. In addition, the in silico prediction for this alteration is inconclusive. Based on the available evidence, the clinical significance of this variant remains unclear.